The following is an entry in ClinVar:

ClinVar aggregate classification (germline): Uncertain significance (1 of 4 stars; one submission).

Allele frequency attached by ClinVar (database versions not stated): gnomAD exomes below 0.00001.
gnomAD v4.1: 2 of 1,613,972 alleles (0.00012%); highest among the groups gnomAD compares: Non-Finnish European, 0.00017%; no homozygotes.

Submission:

Labcorp Genetics (formerly Invitae), Labcorp
Classification: Uncertain significance. Last evaluated: 2024-04-25. Review status: criteria provided, single submitter. Criteria: Invitae Variant Classification Sherloc (09022015). Collection method: clinical testing. Allele origin: germline.
Comment: This sequence change replaces cysteine, which is neutral and slightly polar, with tyrosine, which is neutral and polar, at codon 659 of the C1S protein (p.Cys659Tyr). This variant is not present in population databases (gnomAD no frequency). This variant has not been reported in the literature in individuals affected with C1S-related conditions. Advanced modeling of protein sequence and biophysical properties (such as structural, functional, and spatial information, amino acid conservation, physicochemical variation, residue mobility, and thermodynamic stability) performed at Invitae indicates that this missense variant is expected to disrupt C1S protein function with a positive predictive value of 80%. In summary, the available evidence is currently insufficient to determine the role of this variant in disease. Therefore, it has been classified as a Variant of Uncertain Significance.

NM_001734.5(C1S):c.1976G>A (p.Cys659Tyr)

Gene: C1S (complement C1s; plus strand). Cytogenetic location: 12p13.31.
Variant type: single nucleotide variant.
Coding change: c.1976G>A on transcript NM_001734.5 (MANE Select); coding-DNA position 1976, G replaced by A.
Protein change: p.Cys659Tyr; replaces cysteine 659 with tyrosine.
Molecular consequence: missense variant.
Genome position (GRCh38, 1-based): chr12:7,070,560, G>A. VCF-style: chr12-7070560-G-A. GRCh37 (hg19) VCF-style: chr12-7177864-G-A.
Other names: c.1475G>A, p.Cys492Tyr (NM_001346850.2); c.1976G>A, p.Cys659Tyr (NM_201442.4); short protein forms C492Y, C659Y.
Identifiers: ClinVar variation 2977737 (VCV002977737.3), dbSNP rs2539609459, ClinGen allele CA383708766.
Genomic context (GRCh38, chr12:7,070,560, plus strand): 5'-AGGATCCCAATGACAAGACCAAATTCTACGCAGCTGGCCTGGTGTCCTGGGGGCCCCAGT[G>A]TGGGACCTATGGGCTCTACACACGGGTAAAGAACTATGTTGACTGGATAATGAAGACTAT-3'
Protein context (NP_001725.1, residues 649-669): AAGLVSWGPQ[Cys659Tyr]GTYGLYTRVK